The following is an entry in ClinVar:

NM_022114.4(PRDM16):c.2443C>T (p.Gln815Ter)

Gene: PRDM16 (PR/SET domain 16; plus strand). Cytogenetic location: 1p36.32.
Variant type: single nucleotide variant.
Coding change: c.2443C>T on transcript NM_022114.4 (MANE Select); coding-DNA position 2443, C replaced by T.
Protein change: p.Gln815Ter; replaces glutamine 815 with a stop codon.
Molecular consequence: nonsense.
Genome position (GRCh38, 1-based): chr1:3,412,640, C>T. VCF-style: chr1-3412640-C-T. GRCh37 (hg19) VCF-style: chr1-3329204-C-T.
Other names: c.2443C>T, p.Gln815Ter (NM_199454.3); short protein forms Q815*.
Identifiers: ClinVar variation 406222 (VCV000406222.6), dbSNP rs1060500997, ClinGen allele CA16610078.

ClinVar aggregate classification (germline): Uncertain significance (1 of 4 stars; one submission).

Conditions:
Left ventricular noncompaction 8 (LVNC8). Identifiers: Orphanet 154, Orphanet 54260, MedGen C3809288, MONDO:0014152, OMIM 615373.

Submission:

Labcorp Genetics (formerly Invitae), Labcorp
Classification: Uncertain significance for Left ventricular noncompaction 8. Last evaluated: 2018-05-18. Review status: criteria provided, single submitter. Criteria: Invitae Variant Classification Sherloc (09022015). Collection method: clinical testing. Allele origin: germline.
Comment: This sequence change creates a premature translational stop signal (p.Gln815*) in the PRDM16 gene. It is expected to result in an absent or disrupted protein product. In summary, the available evidence is currently insufficient to determine the role of this variant in disease. Therefore, it has been classified as a Variant of Uncertain Significance. The current clinical and genetic evidence is not sufficient to establish whether loss-of-function variants in PRDM16 cause disease. This variant has not been reported in the literature in individuals with PRDM16-related disease. ClinVar contains an entry for this variant (Variation ID: 406222). This variant is present in population databases (ExAC no frequency).